The following is an entry in ClinVar:

GRCh37/hg19 1p33(chr1:47902505-47905928)x3

Gene: FOXD2 (forkhead box D2; plus strand). Cytogenetic location: 1p33.
Variant type: copy number gain.
Change: copy number 3 (three copies instead of two) of chr1:47,902,505-47,905,928 (3.4 kb, GRCh37 coordinates, 1-based), cytogenetic band 1p33.
Identifiers: ClinVar variation 395572 (VCV000395572.4).

ClinVar aggregate classification (germline): conflicting data from submitters (0 of 4 stars; one submission).

Submission:

ISCA Site 6
Classification: conflicting data from submitters. Review status: no assertion criteria provided. Collection method: clinical testing. Allele origin: unknown. Affected: yes. Observed: 2 variant alleles.
Comment: Uncertain significance(1), Likely benign (1)

Copy number variation identified through the course of routine clinical cytogenomic testing in postnatal populations, with clinical assertions as classified by the original submitter. For data from the original published study, Kaminsky, et al. 2011 (PubMed 21844811), please see nstd101.